The following is an entry in ClinVar:

ClinVar aggregate classification (germline): Uncertain significance (1 of 4 stars; one submission).

Conditions:
Inborn genetic diseases. Identifiers: MedGen C0950123, MeSH D030342.

Allele frequency attached by ClinVar (database versions not stated): gnomAD exomes 0.00001.
gnomAD v4.1: 5 of 1,613,646 alleles (0.00031%); highest among the groups gnomAD compares: South Asian, 0.0011%; no homozygotes.

Submission:

Ambry Genetics
Classification: Uncertain significance for Inborn genetic diseases. Last evaluated: 2024-07-13. Review status: criteria provided, single submitter. Criteria: Ambry Variant Classification Scheme 2023. Collection method: clinical testing. Allele origin: germline.
Comment: The p.S169P variant (also known as c.505T>C), located in coding exon 5 of the LRRK2 gene, results from a T to C substitution at nucleotide position 505. The serine at codon 169 is replaced by proline, an amino acid with similar properties. This amino acid position is conserved. In addition, this alteration is predicted to be tolerated by in silico analysis. Since supporting evidence is limited at this time, the clinical significance of this alteration remains unclear.

NM_198578.4(LRRK2):c.505T>C (p.Ser169Pro)

Gene: LRRK2 (leucine rich repeat kinase 2; plus strand). Cytogenetic location: 12q12.
Variant type: single nucleotide variant.
Coding change: c.505T>C on transcript NM_198578.4 (MANE Select); coding-DNA position 505, T replaced by C.
Protein change: p.Ser169Pro; replaces serine 169 with proline.
Molecular consequence: missense variant.
Genome position (GRCh38, 1-based): chr12:40,238,037, T>C. VCF-style: chr12-40238037-T-C. GRCh37 (hg19) VCF-style: chr12-40631839-T-C.
Other names: short protein forms S169P.
Identifiers: ClinVar variation 1745101 (VCV001745101.3), dbSNP rs2499419789, ClinGen allele CA384404052.